The following is an entry in ClinVar:

ClinVar aggregate classification (germline): Uncertain significance (1 of 4 stars; one submission).

Conditions:
Facioscapulohumeral muscular dystrophy 2 (FSHD2). Also called: MUSCULAR DYSTROPHY, FACIOSCAPULOHUMERAL, TYPE 1B; FACIOSCAPULOHUMERAL MUSCULAR DYSTROPHY 2, DIGENIC; FSHD2, DIGENIC. Identifiers: Orphanet 269, MedGen C1834671, MONDO:0008031, OMIM 158901.

gnomAD v4.1: 8 of 1,592,614 alleles (0.0005%); highest among the groups gnomAD compares: Non-Finnish European, 0.0006%; no homozygotes.

Submission:

Labcorp Genetics (formerly Invitae), Labcorp
Classification: Uncertain significance for Facioscapulohumeral muscular dystrophy 2. Last evaluated: 2025-03-31. Review status: criteria provided, single submitter. Criteria: Invitae Variant Classification Sherloc (09022015). Collection method: clinical testing. Allele origin: germline.
Comment: This sequence change replaces glutamic acid, which is acidic and polar, with alanine, which is neutral and non-polar, at codon 675 of the SMCHD1 protein (p.Glu675Ala). This variant is not present in population databases (gnomAD no frequency). This variant has not been reported in the literature in individuals affected with SMCHD1-related conditions. Invitae Evidence Modeling of protein sequence and biophysical properties (such as structural, functional, and spatial information, amino acid conservation, physicochemical variation, residue mobility, and thermodynamic stability) indicates that this missense variant is not expected to disrupt SMCHD1 protein function with a negative predictive value of 80%. In summary, the available evidence is currently insufficient to determine the role of this variant in disease. Therefore, it has been classified as a Variant of Uncertain Significance.

NM_015295.3(SMCHD1):c.2024A>C (p.Glu675Ala)

Gene: SMCHD1 (structural maintenance of chromosomes flexible hinge domain containing 1; plus strand). Cytogenetic location: 18p11.32.
Variant type: single nucleotide variant.
Coding change: c.2024A>C on transcript NM_015295.3 (MANE Select); coding-DNA position 2024, A replaced by C.
Protein change: p.Glu675Ala; replaces glutamic acid 675 with alanine.
Molecular consequence: missense variant.
Genome position (GRCh38, 1-based): chr18:2,706,431, A>C. VCF-style: chr18-2706431-A-C. GRCh37 (hg19) VCF-style: chr18-2706429-A-C.
Other names: short protein forms E675A.
Identifiers: ClinVar variation 3711474 (VCV003711474.2).